The following is an entry in ClinVar:

ClinVar aggregate classification (germline): Benign. Review status: criteria provided, multiple submitters, no conflicts (2 of 4 stars). 8 submissions from 8 submitters: Benign (8). Last evaluated 2026-02-01.

Conditions:
Hearing loss, X-linked 6. Also called: Deafness, X-linked 6. Identifiers: Orphanet 90625, MedGen C3806737, MONDO:0010484, OMIM 300914.

Allele frequency attached by ClinVar (database versions not stated): 1000 Genomes Project 0.02119; 1000 Genomes Project 30x 0.02268; TOPMed 0.03601; gnomAD 0.03887 and 0.03911; gnomAD exomes 0.04047 and 0.05595; ExAC 0.04079; ESP Exome Variant Server 0.04412.
gnomAD v4.1: 65,098 of 1,201,111 alleles (5.4%); highest among the groups gnomAD compares: Middle Eastern, 10%; 1,369 homozygotes.

Submissions (8):

Labcorp Genetics (formerly Invitae), Labcorp
Classification: Benign. Last evaluated: 2026-02-01. Review status: criteria provided, single submitter. Criteria: Invitae Variant Classification Sherloc (09022015). Collection method: clinical testing. Allele origin: germline.

Blueprint Genetics
Classification: Benign. Last evaluated: 2024-11-28. Review status: criteria provided, single submitter. Criteria: ACMG Guidelines, 2015. Collection method: clinical testing. Allele origin: germline.

Mayo Clinic Laboratories, Mayo Clinic
Classification: Benign. Last evaluated: 2022-03-09. Review status: criteria provided, single submitter. Criteria: ACMG Guidelines, 2015. Collection method: clinical testing. Allele origin: germline. Observed: 21 variant alleles.

Genome-Nilou Lab
Classification: Benign for Hearing loss, X-linked 6. Last evaluated: 2021-07-30. Review status: criteria provided, single submitter. Criteria: ACMG Guidelines, 2015. Collection method: clinical testing. Allele origin: germline. Affected: no.

Athena Diagnostics
Classification: Benign. Last evaluated: 2018-12-27. Review status: criteria provided, single submitter. Criteria: Athena Diagnostics Criteria. Collection method: clinical testing. Allele origin: germline.

GeneDx
Classification: Benign. Last evaluated: 2017-10-16. Review status: criteria provided, single submitter. Criteria: GeneDx Variant Classification (06012015). Collection method: clinical testing. Allele origin: germline. Affected: yes.
Comment: This variant is considered likely benign or benign based on one or more of the following criteria: it is a conservative change, it occurs at a poorly conserved position in the protein, it is predicted to be benign by multiple in silico algorithms, and/or has population frequency not consistent with disease.

Breakthrough Genomics
Classification: Benign. Review status: criteria provided, single submitter. Criteria: ACMG Guidelines, 2015. Collection method: not provided. Allele origin: germline. Inheritance: X-linked inheritance. Affected: yes.

PreventionGenetics, part of Exact Sciences
Classification: Benign. Review status: criteria provided, single submitter. Criteria: ACMG Guidelines, 2015. Collection method: clinical testing. Allele origin: germline.

NM_033641.4(COL4A6):c.3481A>G (p.Ile1161Val)

Gene: COL4A6 (collagen type IV alpha 6 chain; minus strand). Cytogenetic location: Xq22.3.
Variant type: single nucleotide variant.
Coding change: c.3481A>G on transcript NM_033641.4 (MANE Select); coding-DNA position 3481, A replaced by G.
Protein change: p.Ile1161Val; replaces isoleucine 1161 with valine.
Molecular consequence: missense variant.
Genome position (GRCh38, 1-based): chrX:108,170,621, T>C on the plus strand (A>G on the coding strand, the complement: COL4A6 is on the minus strand). VCF-style: chrX-108170621-T-C. GRCh37 (hg19) VCF-style: chrX-107413851-T-C.
Other names: c.3532A>G, p.Ile1178Val (NM_001287758.2); c.3481A>G, p.Ile1161Val (NM_001287759.2, NM_001287760.2); c.3484A>G, p.Ile1162Val (NM_001847.4); short protein forms I1162V, I1161V, I1178V.
Identifiers: ClinVar variation 258275 (VCV000258275.16), dbSNP rs34466065, ClinGen allele CA10487414.